The following is an entry in ClinVar:

ClinVar aggregate classification (germline): Uncertain significance (1 of 4 stars; one submission).

Conditions:
CDKL5 disorder. Identifiers: MedGen CN296942, MONDO:0100039.

Submission:

Centre for Population Genomics, CPG
Classification: Uncertain significance for CDKL5 disorder. Last evaluated: 2024-12-24. Review status: criteria provided, single submitter. Criteria: McKnight et al. (Hum Mutat. 2022). Collection method: curation. Allele origin: germline. Inheritance: X-linked inheritance.
Comment: This variant has been collected from RettBASE and curated to current modified ACMG/AMP criteria. Based on the classification scheme defined by the ClinGen Rett/Angelman-like Expert Panel for Rett/AS-like Disorders Specifications to the ACMG/AMP Variant Interpretation Guidelines VCEP 3.0, this variant is classified as a variant of uncertain significance. At least the following criteria are met: This variant has been identified as a de novo occurrence in an individual with CDKL5 disorder without confirmation of paternity and maternity (PM6, PMID: 37193389). This variant is absent from gnomAD (PM2_Supporting).

NM_001323289.2(CDKL5):c.226A>G (p.Lys76Glu)

Gene: CDKL5 (cyclin dependent kinase like 5; plus strand). Cytogenetic location: Xp22.13.
Variant type: single nucleotide variant.
Coding change: c.226A>G on transcript NM_001323289.2 (MANE Select); coding-DNA position 226, A replaced by G.
Protein change: p.Lys76Glu; replaces lysine 76 with glutamic acid.
Molecular consequence: missense variant.
Genome position (GRCh38, 1-based): chrX:18,575,434, A>G. VCF-style: chrX-18575434-A-G. GRCh37 (hg19) VCF-style: chrX-18593554-A-G.
Other names: NM_003159.3:c.226A>G; c.226A>G, p.Lys76Glu (NM_001037343.2, NM_003159.3); short protein forms K76E.
Identifiers: ClinVar variation 3602048 (VCV003602048.1).